The following is an entry in ClinVar:

NM_206933.4(USH2A):c.8342C>T (p.Thr2781Ile)

Gene: USH2A (usherin; minus strand). Cytogenetic location: 1q41.
Variant type: single nucleotide variant.
Coding change: c.8342C>T on transcript NM_206933.4 (MANE Select); coding-DNA position 8342, C replaced by T.
Protein change: p.Thr2781Ile; replaces threonine 2781 with isoleucine.
Molecular consequence: missense variant.
Genome position (GRCh38, 1-based): chr1:215,878,980, G>A on the plus strand (C>T on the coding strand, the complement: USH2A is on the minus strand). VCF-style: chr1-215878980-G-A. GRCh37 (hg19) VCF-style: chr1-216052322-G-A.
Other names: short protein forms T2781I.
Identifiers: ClinVar variation 48598 (VCV000048598.28), dbSNP rs143240767, ClinGen allele CA143623.

ClinVar aggregate classification (germline): Conflicting classifications of pathogenicity. Review status: criteria provided, conflicting classifications (1 of 4 stars). 12 submissions from 11 submitters: Uncertain significance (3); Benign (2); Likely benign (5). 2 of the submissions do not count toward it. Last evaluated 2026-01-26.

Conditions:
Retinal dystrophy. Also called: Inherited retinal dystrophy. Identifiers: Orphanet 71862, MedGen C0854723, MeSH D058499, MONDO:0019118, HP:0000556.
Usher syndrome type 2A. Also called: RETINAL DISEASE IN USHER SYNDROME TYPE IIA, MODIFIER OF; USHER SYNDROME, TYPE IIA. Identifiers: Orphanet 231178, Orphanet 886, MedGen C1848634, MONDO:0010169, OMIM 276901.
Retinitis pigmentosa 39 (RP39). Identifiers: Orphanet 791, MedGen C3151138, MONDO:0013436, OMIM 613809.

Allele frequency attached by ClinVar (database versions not stated): gnomAD 0.00011 and 0.00023; TOPMed 0.00012; gnomAD exomes 0.00022 and 0.00025; ExAC 0.00024; 1000 Genomes Project 30x 0.00109; 1000 Genomes Project 0.00120.
gnomAD v4.1: 354 of 1,614,120 alleles (0.022%); highest among the groups gnomAD compares: East Asian, 0.78%; no homozygotes.

Submissions (12):

Labcorp Genetics (formerly Invitae), Labcorp
Classification: Likely benign. Last evaluated: 2026-01-26. Review status: criteria provided, single submitter. Criteria: Invitae Variant Classification Sherloc (09022015). Collection method: clinical testing. Allele origin: germline.

GeneDx
Classification: Uncertain significance. Last evaluated: 2024-07-05. Review status: criteria provided, single submitter. Criteria: GeneDx Variant Classification Process June 2021. Collection method: clinical testing. Allele origin: germline. Affected: yes.
Comment: In silico analysis supports that this missense variant has a deleterious effect on protein structure/function; Identified in patients with USH2A-related disorders together with variants of uncertain significance (phase unknown) in the USH2A gene in published literature (PMID: 36819107, 23767834); This variant is associated with the following publications: (PMID: 36819107, 30245029, 23767834)

Dept Of Ophthalmology, Nagoya University
Classification: Benign for Retinal dystrophy. Last evaluated: 2023-10-01. Review status: criteria provided, single submitter. Criteria: Submitter's publication. Collection method: research. Allele origin: germline. Affected: yes.

Blueprint Genetics
Classification: Uncertain significance. Last evaluated: 2023-06-28. Review status: criteria provided, single submitter. Criteria: ACMG Guidelines, 2015. Collection method: clinical testing. Allele origin: germline.

Women's Health and Genetics/Laboratory Corporation of America, LabCorp
Classification: Likely benign. Last evaluated: 2021-12-22. Review status: criteria provided, single submitter. Criteria: LabCorp Variant Classification Summary - May 2015. Collection method: clinical testing. Allele origin: germline.
Comment: Variant summary: USH2A c.8342C>T (p.Thr2781Ile) results in a non-conservative amino acid change located in the Fibronectin type III domain (IPR003961) of the encoded protein sequence. Four of five in-silico tools predict a benign effect of the variant on protein function. The variant allele was found at a frequency of 0.001 in 301738 control chromosomes, predominantly at a frequency of 0.012 within Japanese subpopulation (gnomAD, other databases, publication data). This frequency is equal to the estimated maximal expected allele frequency of a pathogenic variant in USH2A causing Usher Syndrome (0.012 vs 0.011), suggesting this may be a benign polymorphism found primarily in Japanese subpopulation. c.8342C>T has been reported in the literature in deaf patients (Yang_2013, He_2018). These reports do not provide unequivocal conclusions about association of the variant with Usher Syndrome. To our knowledge, no experimental evidence demonstrating an impact on protein function has been reported. Seven ClinVar submitters (evaluation after 2014) cite the variant as uncertain significance (n=2), likely benign (n=4) and benign (n=1). Based on the evidence outlined above, the variant was classified as likely benign.

Genome-Nilou Lab
Classification: Likely benign for Retinitis pigmentosa 39. Last evaluated: 2021-07-22. Review status: criteria provided, single submitter. Criteria: ACMG Guidelines, 2015. Collection method: clinical testing. Allele origin: germline. Affected: no.

Genome-Nilou Lab
Classification: Likely benign for Usher syndrome type 2A. Last evaluated: 2021-05-18. Review status: criteria provided, single submitter. Criteria: ACMG Guidelines, 2015. Collection method: clinical testing. Allele origin: germline. Affected: no.

Mendelics
Classification: Benign for Usher syndrome type 2A. Last evaluated: 2019-05-28. Review status: criteria provided, single submitter. Criteria: Mendelics Assertion Criteria 2017. Collection method: clinical testing. Allele origin: unknown.

Soonchunhyang University Bucheon Hospital, Soonchunhyang University Medical Center
Classification: Uncertain significance for Usher syndrome type 2A. Last evaluated: 2016-03-18. Review status: criteria provided, single submitter. Criteria: ACMG Guidelines, 2015. Collection method: reference population. Allele origin: germline. Observed: 1 variant allele.

Laboratory for Molecular Medicine, Mass General Brigham Personalized Medicine
Classification: Likely benign. Last evaluated: 2014-10-17. Review status: criteria provided, single submitter. Criteria: LMM Criteria. Collection method: clinical testing. Allele origin: germline. Observed: 1 variant allele.
Comment: Thr2781Ile in exon 42 of USH2A: This variant is not expected to have clinical si gnificance because it has been identified in 2.8% (5/178) of Japanese chromosome s by the 1000 Genomes project (rs143240767). While it has been identified in on e individual with hearing loss (Yang 2013), based on the population frequency, t his variant is likely benign.

Natera, Inc.
Classification: Likely benign for Usher syndrome type 2A. Last evaluated: 2020-09-16. Review status: no assertion criteria provided. Collection method: clinical testing. Allele origin: germline. Not counted in ClinVar's aggregate classification.

Counsyl
Classification: Uncertain significance for Usher syndrome type 2A; Retinitis pigmentosa 39. Last evaluated: 2017-01-20. Review status: no assertion criteria provided. Collection method: clinical testing. Allele origin: unknown. Not counted in ClinVar's aggregate classification.

Literature cited by the submitters: PubMed 30245029 (cited by Women's Health and Genetics/Laboratory Corporation of America, LabCorp); PubMed 29178603 (cited by Women's Health and Genetics/Laboratory Corporation of America, LabCorp); PubMed 26346818 (cited by Women's Health and Genetics/Laboratory Corporation of America, LabCorp); PubMed 23767834 (cited by 4 submitters).